The following is an entry in ClinVar:

ClinVar aggregate classification (germline): Uncertain significance (1 of 4 stars; one submission).

Conditions:
Asphyxiating thoracic dystrophy 5 (SRTD5). Also called: SHORT-RIB THORACIC DYSPLASIA 5 WITH OR WITHOUT POLYDACTYLY; SHORT-RIB THORACIC DYSPLASIA 5 WITHOUT POLYDACTYLY. Identifiers: Orphanet 474, MedGen C3280598, MONDO:0013717, OMIM 614376.
Senior-Loken syndrome 8 (SLSN8). Identifiers: Orphanet 3156, MedGen C4225376, MONDO:0014579, OMIM 616307.

Submission:

Labcorp Genetics (formerly Invitae), Labcorp
Classification: Uncertain significance for Senior-Loken syndrome 8; Asphyxiating thoracic dystrophy 5. Last evaluated: 2021-08-23. Review status: criteria provided, single submitter. Criteria: Invitae Variant Classification Sherloc (09022015). Collection method: clinical testing. Allele origin: germline.
Comment: This sequence change replaces isoleucine with valine at codon 802 of the WDR19 protein (p.Ile802Val). The isoleucine residue is highly conserved and there is a small physicochemical difference between isoleucine and valine. This variant is not present in population databases (ExAC no frequency). This variant has not been reported in the literature in individuals affected with WDR19-related conditions. Algorithms developed to predict the effect of missense changes on protein structure and function (SIFT, PolyPhen-2, Align-GVGD) all suggest that this variant is likely to be tolerated. In summary, the available evidence is currently insufficient to determine the role of this variant in disease. Therefore, it has been classified as a Variant of Uncertain Significance.

NM_025132.4(WDR19):c.2404A>G (p.Ile802Val)

Gene: WDR19 (WD repeat domain 19; plus strand). Cytogenetic location: 4p14.
Variant type: single nucleotide variant.
Coding change: c.2404A>G on transcript NM_025132.4 (MANE Select); coding-DNA position 2404, A replaced by G.
Protein change: p.Ile802Val; replaces isoleucine 802 with valine.
Molecular consequence: missense variant.
Genome position (GRCh38, 1-based): chr4:39,240,317, A>G. VCF-style: chr4-39240317-A-G. GRCh37 (hg19) VCF-style: chr4-39241937-A-G.
Other names: c.1924A>G, p.Ile642Val (NM_001317924.2); short protein forms I642V, I802V.
Identifiers: ClinVar variation 1484727 (VCV001484727.6), dbSNP rs750584650, ClinGen allele CA95680172.